The following is an entry in ClinVar:

ClinVar aggregate classification (germline): Likely benign. Review status: criteria provided, multiple submitters, no conflicts (2 of 4 stars). 7 submissions from 7 submitters: Likely benign (7). Last evaluated 2025-11-22.

Conditions:
Cardiovascular phenotype. Identifiers: MedGen CN230736.
Cardiomyopathy (CMYO). Also called: Cardiomyopathies. Identifiers: Orphanet 167848, MedGen C0878544, MONDO:0004994, HP:0001638. Inheritance: Various modes of inheritance.
Hypertrophic cardiomyopathy. Also called: HYPERTROPHIC MYOCARDIOPATHY. Identifiers: Orphanet 217569, MedGen C0007194, MeSH D002312, MONDO:0005045, HP:0001639.

Allele frequency attached by ClinVar (database versions not stated): gnomAD 0.00001 and 0.00003; TOPMed 0.00001; gnomAD exomes 0.00002; ExAC 0.00003; 1000 Genomes Project 0.00020; 1000 Genomes Project 30x 0.00031.
gnomAD v4.1: 18 of 1,613,810 alleles (0.0011%); highest among the groups gnomAD compares: East Asian, 0.0089%; no homozygotes.

Submissions (7):

Labcorp Genetics (formerly Invitae), Labcorp
Classification: Likely benign for Hypertrophic cardiomyopathy. Last evaluated: 2025-11-22. Review status: criteria provided, single submitter. Criteria: Invitae Variant Classification Sherloc (09022015). Collection method: clinical testing. Allele origin: germline.

All of Us Research Program, National Institutes of Health
Classification: Likely benign for Hypertrophic cardiomyopathy. Last evaluated: 2023-12-13. Review status: criteria provided, single submitter. Criteria: ACMG Guidelines, 2015. Collection method: clinical testing. Allele origin: germline. Inheritance: Autosomal dominant inheritance. Observed: 4 variant alleles, 4 heterozygotes.
Comment: This study involves interpretation of variants in research participants for the purpose of population health screening. Participant phenotype was not available at the time of variant classification. Additional details can be found in publication PMID: 35346344, PMCID: PMC8962531

Women's Health and Genetics/Laboratory Corporation of America, LabCorp
Classification: Likely benign. Last evaluated: 2023-07-29. Review status: criteria provided, single submitter. Criteria: LabCorp Variant Classification Summary - May 2015. Collection method: clinical testing. Allele origin: germline.

Color Diagnostics, LLC DBA Color Health
Classification: Likely benign for Cardiomyopathy. Last evaluated: 2018-10-16. Review status: criteria provided, single submitter. Criteria: ACMG Guidelines, 2015. Collection method: clinical testing. Allele origin: germline.

GeneDx
Classification: Likely benign. Last evaluated: 2018-04-13. Review status: criteria provided, single submitter. Criteria: GeneDx Variant Classification (06012015). Collection method: clinical testing. Allele origin: germline. Affected: yes.
Comment: This variant is considered likely benign or benign based on one or more of the following criteria: it is a conservative change, it occurs at a poorly conserved position in the protein, it is predicted to be benign by multiple in silico algorithms, and/or has population frequency not consistent with disease.

Ambry Genetics
Classification: Likely benign for Cardiovascular phenotype. Last evaluated: 2017-09-11. Review status: criteria provided, single submitter. Criteria: Ambry Variant Classification Scheme 2023. Collection method: clinical testing. Allele origin: germline.

CHEO Genetics Diagnostic Laboratory, Children's Hospital of Eastern Ontario
Classification: Likely benign for Cardiomyopathy. Last evaluated: 2016-12-09. Review status: criteria provided, single submitter. Criteria: ACMG Guidelines, 2015. Collection method: clinical testing. Allele origin: germline. Study: Canadian Open Genetics Repository.

NM_000256.3(MYBPC3):c.2010C>T (p.Asp670=)

Gene: MYBPC3 (myosin binding protein C3; minus strand). Cytogenetic location: 11p11.2.
Variant type: single nucleotide variant.
Coding change: c.2010C>T on transcript NM_000256.3 (MANE Select); coding-DNA position 2010, C replaced by T.
Protein change: p.Asp670=; no amino-acid change (aspartic acid 670 retained).
Molecular consequence: synonymous variant.
Genome position (GRCh38, 1-based): chr11:47,339,708, G>A on the plus strand (C>T on the coding strand, the complement: MYBPC3 is on the minus strand). VCF-style: chr11-47339708-G-A. GRCh37 (hg19) VCF-style: chr11-47361259-G-A.
Other names: c.2010C>T, p.Asp670= (LRG_386t1).
Identifiers: ClinVar variation 519181 (VCV000519181.19), dbSNP rs558051480, ClinGen allele CA078472.
Genomic context (GRCh38, chr11:47,339,708, plus strand): 5'-TACCTGCGTGATAGCCTTCTGCCAGATCACAGTGGGAGCAGGGTCCCCAGAGATAGGGAC[G>A]TCCAGACGTAGCTTATTTCCAGCTACAACCACAATGGTGTCTGGTATGCGGCCTGGGCAG-3'
Protein context (NP_000247.2, residues 660-680): VVVAGNKLRL[Asp670=]VPISGDPAPT